The following is an entry in ClinVar:

NM_000059.4(BRCA2):c.4162_4166del (p.Thr1388fs)

Gene: BRCA2 (BRCA2 DNA repair associated; plus strand). Cytogenetic location: 13q13.1.
Variant type: Deletion.
Coding change: c.4162_4166del on transcript NM_000059.4 (MANE Select); coding-DNA positions 4162 to 4166, 5 bases deleted (ACTTT; older notation c.4162_4166delACTTT).
Protein change: p.Thr1388fs; shifts the reading frame from threonine 1388.
Molecular consequence: frameshift variant.
Genome position (GRCh38, 1-based): chr13:32,338,517-32,338,521, ACTTT deleted. VCF-style (leftmost placement, unchanged base first): chr13-32338516-AACTTT-A. GRCh37 (hg19) VCF-style: chr13-32912653-AACTTT-A.
Other names: c.4162_4166delACTTT (NM_000059.3); short protein forms T1388fs.
Identifiers: ClinVar variation 254532 (VCV000254532.2), dbSNP rs750704702, ClinGen allele CA6940757.

ClinVar aggregate classification (germline): Pathogenic (3 of 4 stars; one submission).

Conditions:
Breast-ovarian cancer, familial, susceptibility to, 2 (BROVCA2). Also called: BRCA2 Hereditary Breast and Ovarian Cancer. Identifiers: Orphanet 145, MedGen C2675520, MONDO:0012933, OMIM 612555. Disease mechanism: loss of function.

Allele frequency attached by ClinVar (database versions not stated): gnomAD exomes below 0.00001; ExAC 0.00001.

Submission:

Evidence-based Network for the Interpretation of Germline Mutant Alleles (ENIGMA)
Classification: Pathogenic for Breast-ovarian cancer, familial, susceptibility to, 2. Last evaluated: 2016-09-08. Review status: reviewed by expert panel. Criteria: ENIGMA BRCA1/2 Classification Criteria (2015). Collection method: curation. Allele origin: germline.
Comment: Variant allele predicted to encode a truncated non-functional protein.